The following is an entry in ClinVar:

ClinVar aggregate classification (germline): Uncertain significance. Review status: criteria provided, multiple submitters, no conflicts (2 of 4 stars). 3 submissions from 3 submitters: Uncertain significance (3). Last evaluated 2025-09-16.

Conditions:
Hereditary cancer-predisposing syndrome. Also called: Tumor predisposition; Neoplastic Syndromes, Hereditary; Hereditary Cancer Syndrome; Hereditary neoplastic syndrome. Identifiers: Orphanet 140162, MedGen C0027672, MeSH D009386, MONDO:0015356.
Rhabdoid tumor predisposition syndrome 2 (RTPS2). Identifiers: Orphanet 231108, Orphanet 69077, MedGen C2750074, MONDO:0013224, OMIM 613325.

Allele frequency attached by ClinVar (database versions not stated): gnomAD exomes below 0.00001.
gnomAD v4.1: 1 of 1,612,266 alleles (0.000062%); highest among the groups gnomAD compares: Non-Finnish European, 0.000085%; no homozygotes.

Submissions (3):

Labcorp Genetics (formerly Invitae), Labcorp
Classification: Uncertain significance for Rhabdoid tumor predisposition syndrome 2. Last evaluated: 2025-09-16. Review status: criteria provided, single submitter. Criteria: Invitae Variant Classification Sherloc (09022015). Collection method: clinical testing. Allele origin: germline.
Comment: This sequence change replaces alanine, which is neutral and non-polar, with threonine, which is neutral and polar, at codon 843 of the SMARCA4 protein (p.Ala843Thr). This variant is not present in population databases (gnomAD no frequency). This variant has not been reported in the literature in individuals affected with SMARCA4-related conditions. ClinVar contains an entry for this variant (Variation ID: 1302184). Invitae Evidence Modeling of protein sequence and biophysical properties (such as structural, functional, and spatial information, amino acid conservation, physicochemical variation, residue mobility, and thermodynamic stability) indicates that this missense variant is not expected to disrupt SMARCA4 protein function with a negative predictive value of 95%. In summary, the available evidence is currently insufficient to determine the role of this variant in disease. Therefore, it has been classified as a Variant of Uncertain Significance.

Ambry Genetics
Classification: Uncertain significance for Hereditary cancer-predisposing syndrome. Last evaluated: 2022-11-30. Review status: criteria provided, single submitter. Criteria: Ambry Variant Classification Scheme 2023. Collection method: clinical testing. Allele origin: germline.
Comment: The p.A843T variant (also known as c.2527G>A), located in coding exon 17 of the SMARCA4 gene, results from a G to A substitution at nucleotide position 2527. The alanine at codon 843 is replaced by threonine, an amino acid with similar properties. This amino acid position is well conserved in available vertebrate species. In addition, the in silico prediction for this alteration is inconclusive. Missense and in-frame variants in SMARCA4 are known to cause neurodevelopmental disorders; however, such associations with rhabdoid tumor predisposition syndrome including small cell carcinoma of the ovary-hypercalcemic type (SCCOHT) are exceedingly rare (Kosho T et al. Am J Med Genet C Semin Med Genet. 2014 Sep;166C(3):262-75; Jelinic P et al. Nat Genet. 2014 May;46(5):424-6). Based on the supporting evidence, the association of this alteration with Coffin-Siris syndrome is unknown; however, the association of this alteration with rhabdoid tumor predisposition syndrome is unlikely.

GeneDx
Classification: Uncertain significance. Last evaluated: 2019-05-24. Review status: criteria provided, single submitter. Criteria: GeneDx Variant Classification Process June 2021. Collection method: clinical testing. Allele origin: germline. Affected: yes.
Comment: Not observed in large population cohorts (Lek et al., 2016); In silico analysis, which includes protein predictors and evolutionary conservation, supports that this variant does not alter protein structure/function; Has not been previously published as pathogenic or benign to our knowledge

NM_003072.5(SMARCA4):c.2527G>A (p.Ala843Thr)

Gene: SMARCA4 (SWI/SNF related BAF chromatin remodeling complex subunit ATPase 4; plus strand). Cytogenetic location: 19p13.2.
Variant type: single nucleotide variant.
Coding change: c.2527G>A on transcript NM_003072.5 (MANE Select); coding-DNA position 2527, G replaced by A.
Protein change: p.Ala843Thr; replaces alanine 843 with threonine.
Molecular consequence: missense variant. On other transcripts: non-coding transcript variant (1).
Genome position (GRCh38, 1-based): chr19:11,019,612, G>A. VCF-style: chr19-11019612-G-A. GRCh37 (hg19) VCF-style: chr19-11130288-G-A.
Other names: c.2527G>A, p.Ala843Thr (NM_001128844.3, NM_001128845.2, NM_001128846.2 and 5 more transcripts); short protein forms A843T.
Identifiers: ClinVar variation 1302184 (VCV001302184.7), dbSNP rs2146373575, ClinGen allele CA404054296.